The following is an entry in ClinVar:

ClinVar aggregate classification (germline): Pathogenic (1 of 4 stars; one submission).

Conditions:
Familial adenomatous polyposis 1 (FAP1). Also called: POLYPOSIS, ADENOMATOUS INTESTINAL; FAMILIAL ADENOMATOUS POLYPOSIS 1, ATTENUATED. Identifiers: MedGen C2713442, MONDO:0021056, OMIM 175100. Disease mechanism: loss of function.

Submission:

Myriad Genetics, Inc.
Classification: Pathogenic for Familial adenomatous polyposis 1. Last evaluated: 2023-05-15. Review status: criteria provided, single submitter. Criteria: Myriad Autosomal Dominant, Autosomal Recessive and X-Linked Classification Criteria (2023). Collection method: clinical testing. Allele origin: unknown.
Comment: This variant is considered pathogenic. This variant creates a termination codon and is predicted to result in premature protein truncation.

NM_000038.6(APC):c.6437C>A (p.Ser2146Ter)

Gene: APC (APC regulator of Wnt signaling pathway; plus strand). Cytogenetic location: 5q22.2.
Variant type: single nucleotide variant.
Coding change: c.6437C>A on transcript NM_000038.6 (MANE Select); coding-DNA position 6437, C replaced by A.
Protein change: p.Ser2146Ter; replaces serine 2146 with a stop codon.
Molecular consequence: nonsense. On other transcripts: non-coding transcript variant (2).
Genome position (GRCh38, 1-based): chr5:112,842,031, C>A. VCF-style: chr5-112842031-C-A. GRCh37 (hg19) VCF-style: chr5-112177728-C-A.
Other names: c.6437C>A, p.Ser2146Ter (NM_001127510.3, NM_001354895.2, NM_001407450.1); c.6383C>A, p.Ser2128Ter (NM_001127511.3); c.6491C>A, p.Ser2164Ter (NM_001354896.2, NM_001407447.1, NM_001407448.1 and 1 more transcripts); c.6467C>A, p.Ser2156Ter (NM_001354897.2); c.6362C>A, p.Ser2121Ter (NM_001354898.2); c.6353C>A, p.Ser2118Ter (NM_001354899.2); c.6314C>A, p.Ser2105Ter (NM_001354900.2); c.6260C>A, p.Ser2087Ter (NM_001354901.2, NM_001407453.1); and 11 more; short protein forms S1762*, S1863*, S1986*, S2017*, S2020*, S2045*, S2055*, S2063*.
Identifiers: ClinVar variation 2583509 (VCV002583509.2), dbSNP rs2149964888, ClinGen allele CA16035416.
Genomic context (GRCh38, chr5:112,842,031, plus strand): 5'-GACAAGCTTCGTCTGATTCAGATTCCATCCTTTCCCTGAAATCAGGAATCTCTCTGGGAT[C>A]ACCATTTCATCTTACACCTGATCAAGAAGAAAAACCCTTTACAAGTAATAAAGGCCCACG-3'